The following is an entry in ClinVar:

NM_005670.4(EPM2A):c.476G>A (p.Arg159Lys)

Gene: EPM2A (EPM2A glucan phosphatase, laforin; minus strand). Cytogenetic location: 6q24.3.
Variant type: single nucleotide variant.
Coding change: c.476G>A on transcript NM_005670.4 (MANE Select); coding-DNA position 476, G replaced by A.
Protein change: p.Arg159Lys; replaces arginine 159 with lysine.
Molecular consequence: missense variant. On other transcripts: 5 prime UTR variant (2), non-coding transcript variant (1).
Genome position (GRCh38, 1-based): chr6:145,686,122, C>T on the plus strand (G>A on the coding strand, the complement: EPM2A is on the minus strand). VCF-style: chr6-145686122-C-T. GRCh37 (hg19) VCF-style: chr6-146007258-C-T.
Other names: c.476G>A, p.Arg159Lys (NM_001018041.2, NM_001360057.2, NM_001368130.1); c.62G>A, p.Arg21Lys (NM_001360064.2, NM_001360071.2, NM_001368131.1); c.-148G>A (NM_001368129.2, NM_001368132.1); short protein forms R159K, R21K.
Identifiers: ClinVar variation 2585246 (VCV002585246.1), dbSNP rs1780888488, ClinGen allele CA366188108.

ClinVar aggregate classification (germline): Uncertain significance (1 of 4 stars; one submission).

Conditions:
Lafora disease. Also called: Epilepsy progressive myoclonic 2. Identifiers: Orphanet 501, MedGen C0751783, MONDO:0009697.

Submission:

Neuberg Centre For Genomic Medicine, NCGM
Classification: Uncertain significance for Myoclonic epilepsy of Lafora 1. Review status: criteria provided, single submitter. Criteria: ACMG Guidelines, 2015. Collection method: clinical testing. Allele origin: germline. Inheritance: Autosomal recessive inheritance. Affected: yes.
Comment: The missense variant in c.476G>A (p. Arg159Lys) in EPM2A gene has not been reported previously as a pathogenic variant nor as a benign variant, to our knowledge. The p.Arg159Lys variant is novel (not in any individuals) in gnomAD Exomes and 1000 Genomes. The amino acid Arg at position 159 is changed to a Lys changing protein sequence and it might alter its composition and physico-chemical properties. The variant is predicted to be damaging by PolyPhen2 and the residue is conserved across species. The amino acid change p.Arg159Lys in EPM2A is predicted as conserved by GERP++ and PhyloP across 100 vertebrates. For these reasons, this variant has been classified as Uncertain Significance.